The following is an entry in ClinVar:

ClinVar aggregate classification (germline): Pathogenic (1 of 4 stars; one submission).

Conditions:
Congenital lipoid adrenal hyperplasia due to STAR deficency. Also called: ADRENAL HYPERPLASIA I; Cholesterol monooxygenase (side-chain cleaving) deficiency; Congenital Lipoid Adrenal Hyperplasia; Lipoid adrenal hyperplasia. Identifiers: Orphanet 418, Orphanet 90790, MedGen C0342474, MONDO:0008725, OMIM 201710.

Submission:

Myriad Genetics, Inc.
Classification: Pathogenic for Congenital lipoid adrenal hyperplasia due to STAR deficency. Last evaluated: 2024-07-11. Review status: criteria provided, single submitter. Criteria: Myriad Autosomal Dominant, Autosomal Recessive and X-Linked Classification Criteria (2023). Collection method: clinical testing. Allele origin: unknown.
Comment: NM_000349.2(STAR):c.214G>T(E72*) is expected to be pathogenic in the context of lipoid congenital adrenal hyperplasia. This variant is predicted to lead to an abnormal or absent protein product due to the creation of a premature termination codon in STAR, a gene where loss-of-function variants are known to be pathogenic. Please note: this variant was assessed in the context of healthy population screening.

NM_000349.3(STAR):c.214G>T (p.Glu72Ter)

Gene: STAR (steroidogenic acute regulatory protein; minus strand). Cytogenetic location: 8p11.23.
Variant type: single nucleotide variant.
Coding change: c.214G>T on transcript NM_000349.3 (MANE Select); coding-DNA position 214, G replaced by T.
Protein change: p.Glu72Ter; replaces glutamic acid 72 with a stop codon.
Molecular consequence: nonsense.
Genome position (GRCh38, 1-based): chr8:38,148,292, C>A on the plus strand (G>T on the coding strand, the complement: STAR is on the minus strand). VCF-style: chr8-38148292-C-A. GRCh37 (hg19) VCF-style: chr8-38005810-C-A.
Other names: short protein forms E72*.
Identifiers: ClinVar variation 5013304 (VCV005013304.1).